The following is an entry in ClinVar:

NM_182746.3(MCM4):c.1754C>G (p.Ser585Trp)

Gene: MCM4 (minichromosome maintenance complex component 4; plus strand). Cytogenetic location: 8q11.21.
Variant type: single nucleotide variant.
Coding change: c.1754C>G on transcript NM_182746.3 (MANE Select); coding-DNA position 1754, C replaced by G.
Protein change: p.Ser585Trp; replaces serine 585 with tryptophan.
Molecular consequence: missense variant.
Genome position (GRCh38, 1-based): chr8:47,970,830, C>G. VCF-style: chr8-47970830-C-G. GRCh37 (hg19) VCF-style: chr8-48883390-C-G.
Other names: c.1754C>G, p.Ser585Trp (NM_005914.4); short protein forms S585W.
Identifiers: ClinVar variation 1500002 (VCV001500002.8), dbSNP rs759056835, ClinGen allele CA371152910.
Genomic context (GRCh38, chr8:47,970,830, plus strand): 5'-TGAGTGACAACGGCATCTGCTGTATCGATGAGTTCGACAAGATGAATGAAAGTACAAGAT[C>G]GGTATTGCATGAAGTCATGGAACAGCAGACTCTGTCCATTGCAAAGGTGAGTCGCCTTCT-3'
Protein context (NP_877423.1, residues 575-595): EFDKMNESTR[Ser585Trp]VLHEVMEQQT

ClinVar aggregate classification (germline): Uncertain significance (1 of 4 stars; one submission).

Allele frequency attached by ClinVar (database versions not stated): TOPMed below 0.00001.

Submission:

Labcorp Genetics (formerly Invitae), Labcorp
Classification: Uncertain significance. Last evaluated: 2021-01-03. Review status: criteria provided, single submitter. Criteria: Invitae Variant Classification Sherloc (09022015). Collection method: clinical testing. Allele origin: germline.
Comment: This sequence change replaces serine with tryptophan at codon 585 of the MCM4 protein (p.Ser585Trp). The serine residue is highly conserved and there is a large physicochemical difference between serine and tryptophan. This variant is not present in population databases (ExAC no frequency). In summary, the available evidence is currently insufficient to determine the role of this variant in disease. Therefore, it has been classified as a Variant of Uncertain Significance. Algorithms developed to predict the effect of missense changes on protein structure and function are either unavailable or do not agree on the potential impact of this missense change (SIFT: "Deleterious"; PolyPhen-2: "Probably Damaging"; Align-GVGD: "Class C15"). This variant has not been reported in the literature in individuals with MCM4-related conditions.